The following is an entry in ClinVar:

NM_015102.5(NPHP4):c.3906dup (p.Val1303fs)

Gene: NPHP4 (nephrocystin 4; minus strand). Cytogenetic location: 1p36.31.
Variant type: Duplication.
Coding change: c.3906dup on transcript NM_015102.5 (MANE Select); coding-DNA position 3906, one base duplicated (T; older notation c.3906dupT).
Protein change: p.Val1303fs; shifts the reading frame from valine 1303.
Molecular consequence: frameshift variant. On other transcripts: non-coding transcript variant (1).
Genome position (GRCh38, 1-based): chr1:5,864,428, A duplicated on the plus strand (T on the coding strand, the reverse complement: NPHP4 is on the minus strand); the first of 3 consecutive A bases (chr1:5,864,428-5,864,430); duplicating any one gives the same sequence. VCF-style (leftmost placement, unchanged base first): chr1-5864427-C-CA. GRCh37 (hg19) VCF-style: chr1-5924487-C-CA.
Other names: c.2367dup, p.Val790fs (NM_001291593.2); c.2370dup, p.Val791fs (NM_001291594.2); short protein forms V790fs, V791fs, V1303fs.
Identifiers: ClinVar variation 3727531 (VCV003727531.2).

ClinVar aggregate classification (germline): Pathogenic (1 of 4 stars; one submission).

Conditions:
Nephronophthisis. Also called: Juvenile Nephronophthisis. Identifiers: Orphanet 655, MedGen C0687120, MONDO:0019005, HP:0000090.

Submission:

Labcorp Genetics (formerly Invitae), Labcorp
Classification: Pathogenic for Nephronophthisis. Last evaluated: 2025-05-09. Review status: criteria provided, single submitter. Criteria: Invitae Variant Classification Sherloc (09022015). Collection method: clinical testing. Allele origin: germline.
Comment: This sequence change creates a premature translational stop signal (p.Val1303Cysfs*33) in the NPHP4 gene. It is expected to result in an absent or disrupted protein product. Loss-of-function variants in NPHP4 are known to be pathogenic (PMID: 12205563, 23559409). This variant is not present in population databases (gnomAD no frequency). This variant has not been reported in the literature in individuals affected with NPHP4-related conditions. ClinVar contains an entry for this variant (Variation ID: 3727531). For these reasons, this variant has been classified as Pathogenic.

Literature cited by the submitters: PubMed 12205563; PubMed 23559409.